The following is an entry in ClinVar:

ClinVar aggregate classification (germline): Uncertain significance (1 of 4 stars; one submission).

Submission:

GeneDx
Classification: Uncertain significance. Last evaluated: 2020-01-31. Review status: criteria provided, single submitter. Criteria: GeneDx Variant Classification Process June 2021. Collection method: clinical testing. Allele origin: germline. Affected: yes.
Comment: Not observed in large population cohorts (Lek et al., 2016); In silico analysis supports that this missense variant does not alter protein structure/function; Has not been previously published as pathogenic or benign to our knowledge

NM_133433.4(NIPBL):c.527G>C (p.Ser176Thr)

Gene: NIPBL (NIPBL cohesin loading factor; plus strand). Cytogenetic location: 5p13.2.
Variant type: single nucleotide variant.
Coding change: c.527G>C on transcript NM_133433.4 (MANE Select); coding-DNA position 527, G replaced by C.
Protein change: p.Ser176Thr; replaces serine 176 with threonine.
Molecular consequence: missense variant.
Genome position (GRCh38, 1-based): chr5:36,962,191, G>C. VCF-style: chr5-36962191-G-C. GRCh37 (hg19) VCF-style: chr5-36962293-G-C.
Other names: c.527G>C, p.Ser176Thr (NM_015384.5); short protein forms S176T.
Identifiers: ClinVar variation 1314823 (VCV001314823.2), dbSNP rs2149607878, ClinGen allele CA359476638.